The following is an entry in ClinVar:

ClinVar aggregate classification (germline): Pathogenic (1 of 4 stars; one submission).

Submission:

Labcorp Genetics (formerly Invitae), Labcorp
Classification: Pathogenic. Last evaluated: 2024-04-20. Review status: criteria provided, single submitter. Criteria: Invitae Variant Classification Sherloc (09022015). Collection method: clinical testing. Allele origin: germline.
Comment: This sequence change creates a premature translational stop signal (p.Gly1207Serfs*39) in the COL4A5 gene. It is expected to result in an absent or disrupted protein product. Loss-of-function variants in COL4A5 are known to be pathogenic (PMID: 9195222, 10752524, 14514738, 24854265, 26809805). This variant is not present in population databases (gnomAD no frequency). This variant has not been reported in the literature in individuals affected with COL4A5-related conditions. For these reasons, this variant has been classified as Pathogenic.

Literature cited by the submitters: PubMed 9195222; PubMed 10752524; PubMed 14514738; PubMed 24854265; PubMed 26809805.

NM_033380.3(COL4A5):c.3619_3635del (p.Gly1207fs)

Gene: COL4A5 (collagen type IV alpha 5 chain; plus strand). Cytogenetic location: Xq22.3.
Variant type: Deletion.
Coding change: c.3619_3635del on transcript NM_033380.3 (MANE Select); coding-DNA positions 3619 to 3635, 17 bases deleted (GGAGGATTACCTGGGAT).
Protein change: p.Gly1207fs; shifts the reading frame from glycine 1207.
Molecular consequence: frameshift variant.
Genome position (GRCh38, 1-based): chrX:108,668,333-108,668,349, GGAGGATTACCTGGGAT deleted; deleting any 17 consecutive bases within chrX:108,668,330-108,668,349 gives the same sequence; the c. name uses the placement nearest the transcript's 3' end. VCF-style (leftmost placement, unchanged base first): chrX-108668329-TGATGGAGGATTACCTGG-T. GRCh37 (hg19) VCF-style: chrX-107911559-TGATGGAGGATTACCTGG-T.
Other names: c.3619_3635del, p.Gly1207fs (NM_000495.5); short protein forms G1207fs.
Identifiers: ClinVar variation 3646052 (VCV003646052.2).